The following is an entry in ClinVar:

NM_017617.5(NOTCH1):c.1732G>T (p.Gly578Cys)

Gene: NOTCH1 (notch receptor 1; minus strand). Cytogenetic location: 9q34.3.
Variant type: single nucleotide variant.
Coding change: c.1732G>T on transcript NM_017617.5 (MANE Select); coding-DNA position 1732, G replaced by T.
Protein change: p.Gly578Cys; replaces glycine 578 with cysteine.
Molecular consequence: missense variant.
Genome position (GRCh38, 1-based): chr9:136,515,654, C>A on the plus strand (G>T on the coding strand, the complement: NOTCH1 is on the minus strand). VCF-style: chr9-136515654-C-A. GRCh37 (hg19) VCF-style: chr9-139410106-C-A.
Other names: short protein forms G578C.
Identifiers: ClinVar variation 4726448 (VCV004726448.1).

ClinVar aggregate classification (germline): Uncertain significance (1 of 4 stars; one submission).

Conditions:
Adams-Oliver syndrome 5 (AOS5). Identifiers: Orphanet 974, MedGen C4014970, MONDO:0014459, OMIM 616028.

Submission:

Labcorp Genetics (formerly Invitae), Labcorp
Classification: Uncertain significance for Adams-Oliver syndrome 5. Last evaluated: 2025-09-01. Review status: criteria provided, single submitter. Criteria: Invitae Variant Classification Sherloc (09022015). Collection method: clinical testing. Allele origin: germline.
Comment: This sequence change replaces glycine, which is neutral and non-polar, with cysteine, which is neutral and slightly polar, at codon 578 of the NOTCH1 protein (p.Gly578Cys). This variant is not present in population databases (gnomAD no frequency). This missense change has been observed in individual(s) with clinical features of NOTCH1-related conditions (internal data). An algorithm developed to predict the effect of missense changes on protein structure and function (PolyPhen-2) suggests that this variant is likely to be disruptive. In summary, the available evidence is currently insufficient to determine the role of this variant in disease. Therefore, it has been classified as a Variant of Uncertain Significance.